The following is an entry in ClinVar:

ClinVar aggregate classification (germline): Uncertain significance (1 of 4 stars; one submission).

Conditions:
FGFR3-related chondrodysplasia. Identifiers: Orphanet 93420, MedGen C5681604, MONDO:0019685.

Submission:

Genomenon, Inc
Classification: Uncertain significance for FGFR3-related chondrodysplasia. Last evaluated: 2026-06-23. Review status: criteria provided, single submitter. Criteria: Genomenon Sequence Variant Interpretation Standards - Updated. Collection method: curation. Allele origin: germline. Affected: no.
Comment: FGFR3 p.Tyr724Phe (c.2171A>T) is a missense variant that changes the amino acid at codon 724 from Tyrosine to Phenylalanine. To our knowledge, this variant has not been reported in patients affected with an FGFR3-related disorder in the published literature. Functional studies have been reported (PMID:11294897;15292251;30782830). It is absent or not present at a significant frequency in gnomAD. In silico models predict that this variant is possibly or probably damaging. In conclusion, we classify FGFR3 p.Tyr724Phe (c.2171A>T) as a variant of uncertain significance.

Literature cited by the submitters: PubMed 37824212; PubMed 30782830; PubMed 15784730; PubMed 15292251; PubMed 11294897.

NM_000142.5(FGFR3):c.2171A>T (p.Tyr724Phe)

Gene: FGFR3 (fibroblast growth factor receptor 3; plus strand). Cytogenetic location: 4p16.3.
Variant type: single nucleotide variant.
Coding change: c.2171A>T on transcript NM_000142.5 (MANE Select); coding-DNA position 2171, A replaced by T.
Protein change: p.Tyr724Phe; replaces tyrosine 724 with phenylalanine.
Molecular consequence: missense variant. On other transcripts: synonymous variant (1), non-coding transcript variant (1).
Genome position (GRCh38, 1-based): chr4:1,806,831, A>T. VCF-style: chr4-1806831-A-T. GRCh37 (hg19) VCF-style: chr4-1808558-A-T.
Other names: c.2177A>T, p.Tyr726Phe (NM_001163213.2); c.2174A>T, p.Tyr725Phe (NM_001354809.2); c.2103A>T, p.Val701= (NM_001354810.2); c.1835A>T, p.Tyr612Phe (NM_022965.4); short protein forms Y612F, Y724F, Y725F, Y726F.
Identifiers: ClinVar variation 4857802 (VCV004857802.1).
Genomic context (GRCh38, chr4:1,806,831, plus strand): 5'-GCTGTTCCCGAATAAGGCGGGAAGCGGCGGGGCTCACTCCTGAGCGCCCTGCCCGCAGGT[A>T]CATGATCATGCGGGAGTGCTGGCATGCCGCGCCCTCCCAGAGGCCCACCTTCAAGCAGCT-3'
Protein context (NP_000133.1, residues 714-734): DKPANCTHDL[Tyr724Phe]MIMRECWHAA